The following is an entry in ClinVar:

ClinVar aggregate classification (germline): Uncertain significance (1 of 4 stars; one submission).

Conditions:
Nephronophthisis. Also called: Juvenile Nephronophthisis. Identifiers: Orphanet 655, MedGen C0687120, MONDO:0019005, HP:0000090.

Submission:

Labcorp Genetics (formerly Invitae), Labcorp
Classification: Uncertain significance for Nephronophthisis. Last evaluated: 2021-02-11. Review status: criteria provided, single submitter. Criteria: Invitae Variant Classification Sherloc (09022015). Collection method: clinical testing. Allele origin: germline.
Comment: In summary, the available evidence is currently insufficient to determine the role of this variant in disease. Therefore, it has been classified as a Variant of Uncertain Significance. This variant disrupts a region of the protein in which other variant(s) (p.Asn711Ser) have been observed in individuals with NPHP3-related conditions (PMID: 26184788). This suggests that this may be a clinically significant region of the NPHP3 protein. Experimental studies and prediction algorithms are not available or were not evaluated, and the functional significance of this variant is currently unknown. This variant has not been reported in the literature in individuals with NPHP3-related conditions. This variant is a gross deletion of the genomic region encompassing exon(s) 15-16 of the NPHP3 gene. This variant would be expected to be in-frame, preserving the integrity of the reading frame.

Literature cited by the submitters: PubMed 26184788.

NC_000003.11:g.(?_132413221)_(132415677_?)del

Gene: NPHP3 (nephrocystin 3; minus strand). Cytogenetic location: 3q22.1.
Variant type: Deletion.
Identifiers: ClinVar variation 1412839 (VCV001412839.6).